The following is an entry in ClinVar:

NM_005359.6(SMAD4):c.209A>C (p.Lys70Thr)

Gene: SMAD4 (SMAD family member 4; plus strand). Cytogenetic location: 18q21.2.
Variant type: single nucleotide variant.
Coding change: c.209A>C on transcript NM_005359.6 (MANE Select); coding-DNA position 209, A replaced by C.
Protein change: p.Lys70Thr; replaces lysine 70 with threonine.
Molecular consequence: missense variant.
Genome position (GRCh38, 1-based): chr18:51,047,255, A>C. VCF-style: chr18-51047255-A-C. GRCh37 (hg19) VCF-style: chr18-48573625-A-C.
Other names: short protein forms K70T.
Identifiers: ClinVar variation 628064 (VCV000628064.16), dbSNP rs1555685038, ClinGen allele CA402458059.

ClinVar aggregate classification (germline): Uncertain significance. Review status: criteria provided, multiple submitters, no conflicts (2 of 4 stars). 3 submissions from 3 submitters: Uncertain significance (3). Last evaluated 2025-05-07.

Conditions:
Familial thoracic aortic aneurysm and aortic dissection (TAAD). Also called: Thoracic aortic aneurysms and dissections. Identifiers: Orphanet 91387, MedGen C4707243, MONDO:0019625.
Hereditary cancer-predisposing syndrome. Also called: Tumor predisposition; Neoplastic Syndromes, Hereditary; Hereditary Cancer Syndrome; Hereditary neoplastic syndrome. Identifiers: Orphanet 140162, MedGen C0027672, MeSH D009386, MONDO:0015356.
Juvenile polyposis syndrome (JPS). Identifiers: Orphanet 2929, MedGen C0345893, MONDO:0017380, OMIM 174900.

Submissions (3):

Ambry Genetics
Classification: Uncertain significance for Hereditary cancer-predisposing syndrome; Familial thoracic aortic aneurysm and aortic dissection. Last evaluated: 2025-05-07. Review status: criteria provided, single submitter. Criteria: Ambry Variant Classification Scheme 2023. Collection method: clinical testing. Allele origin: germline.
Comment: The p.K70T variant (also known as c.209A>C), located in coding exon 1 of the SMAD4 gene, results from an A to C substitution at nucleotide position 209. The lysine at codon 70 is replaced by threonine, an amino acid with similar properties. This amino acid position is highly conserved in available vertebrate species. In addition, this alteration is predicted to be deleterious by in silico analysis. Based on the available evidence, the clinical significance of this variant remains unclear.

Labcorp Genetics (formerly Invitae), Labcorp
Classification: Uncertain significance for Juvenile polyposis syndrome. Last evaluated: 2024-09-29. Review status: criteria provided, single submitter. Criteria: Invitae Variant Classification Sherloc (09022015). Collection method: clinical testing. Allele origin: germline.
Comment: This sequence change replaces lysine, which is basic and polar, with threonine, which is neutral and polar, at codon 70 of the SMAD4 protein (p.Lys70Thr). This variant is not present in population databases (gnomAD no frequency). This variant has not been reported in the literature in individuals affected with SMAD4-related conditions. ClinVar contains an entry for this variant (Variation ID: 628064). Invitae Evidence Modeling of protein sequence and biophysical properties (such as structural, functional, and spatial information, amino acid conservation, physicochemical variation, residue mobility, and thermodynamic stability) has been performed for this missense variant. However, the output from this modeling did not meet the statistical confidence thresholds required to predict the impact of this variant on SMAD4 protein function. In summary, the available evidence is currently insufficient to determine the role of this variant in disease. Therefore, it has been classified as a Variant of Uncertain Significance.

Color Diagnostics, LLC DBA Color Health
Classification: Uncertain significance for Hereditary cancer-predisposing syndrome. Last evaluated: 2023-12-05. Review status: criteria provided, single submitter. Criteria: ACMG Guidelines, 2015. Collection method: clinical testing. Allele origin: germline.
Comment: This missense variant replaces lysine with threonine at codon 70 of the SMAD4 protein. Computational prediction is inconclusive regarding the impact of this variant on protein structure and function (internally defined REVEL score threshold 0.5 < inconclusive < 0.7, PMID: 27666373). To our knowledge, functional studies have not been reported for this variant. This variant has not been reported in individuals affected with SMAD4-related disorders in the literature. This variant has not been identified in the general population by the Genome Aggregation Database (gnomAD). The available evidence is insufficient to determine the role of this variant in disease conclusively. Therefore, this variant is classified as a Variant of Uncertain Significance.